The following is an entry in ClinVar:

NM_001384140.1(PCDH15):c.706-8C>T

Gene: PCDH15 (protocadherin related 15; minus strand). Cytogenetic location: 10q21.1.
Variant type: single nucleotide variant.
Coding change: c.706-8C>T on transcript NM_001384140.1 (MANE Select); 8 bases into the intron before coding-DNA position 706, C replaced by T.
Molecular consequence: intron variant.
Genome position (GRCh38, 1-based): chr10:54,317,449, G>A on the plus strand (C>T on the coding strand, the complement: PCDH15 is on the minus strand). VCF-style: chr10-54317449-G-A. GRCh37 (hg19) VCF-style: chr10-56077209-G-A.
Other names: p.?; c.706-8C>T (NM_001354420.2, NM_001354429.2, NM_001142772.2 and 7 more transcripts); c.721-8C>T (NM_001142771.2, NM_001142769.3, NM_001142763.2); c.640-8C>T (NM_001354404.2, NM_001142773.2, NM_001142768.2); c.595-8C>T (NM_001142767.2).
Identifiers: ClinVar variation 46511 (VCV000046511.34), dbSNP rs10740579, ClinGen allele CA138495.

ClinVar aggregate classification (germline): Benign. Review status: criteria provided, multiple submitters, no conflicts (2 of 4 stars). 14 submissions from 13 submitters: Benign (11). 3 of the submissions do not count toward it. Last evaluated 2026-02-04.

Conditions:
Usher syndrome type 1 (USH1). Also called: RETINITIS PIGMENTOSA AND CONGENITAL DEAFNESS. Identifiers: Orphanet 231169, Orphanet 886, MedGen C1568247, MONDO:0010168, OMIM 276900.
Usher syndrome type 1F (USH1F). Also called: USHER SYNDROME, TYPE IF. Identifiers: Orphanet 231169, Orphanet 886, MedGen C1865885, MONDO:0011186, OMIM 602083.
Autosomal recessive nonsyndromic hearing loss 23. Identifiers: Orphanet 90636, MedGen C1836027, MONDO:0012293, OMIM 609533.

Allele frequency attached by ClinVar (database versions not stated): gnomAD exomes 0.65669 and 0.69206; 1000 Genomes Project 30x 0.61399; gnomAD 0.70404 and 0.71606; TOPMed 0.70716; ESP Exome Variant Server 0.74020; 1000 Genomes Project 0.60383; ExAC 0.66043.
gnomAD v4.1: 1,118,233 of 1,612,902 alleles (69%); highest among the groups gnomAD compares: Middle Eastern, 78%; 395,521 homozygotes.

Submissions (14):

Labcorp Genetics (formerly Invitae), Labcorp
Classification: Benign. Last evaluated: 2026-02-04. Review status: criteria provided, single submitter. Criteria: Invitae Variant Classification Sherloc (09022015). Collection method: clinical testing. Allele origin: germline.

Blueprint Genetics
Classification: Benign. Last evaluated: 2024-11-27. Review status: criteria provided, single submitter. Criteria: ACMG Guidelines, 2015. Collection method: clinical testing. Allele origin: germline.

Genome-Nilou Lab
Classification: Benign for Autosomal recessive nonsyndromic hearing loss 23. Last evaluated: 2021-09-05. Review status: criteria provided, single submitter. Criteria: ACMG Guidelines, 2015. Collection method: clinical testing. Allele origin: germline. Affected: no.

Genome-Nilou Lab
Classification: Benign for Usher syndrome type 1F. Last evaluated: 2021-07-01. Review status: criteria provided, single submitter. Criteria: ACMG Guidelines, 2015. Collection method: clinical testing. Allele origin: germline. Affected: no.

Mayo Clinic Laboratories, Mayo Clinic
Classification: Benign. Last evaluated: 2020-08-31. Review status: criteria provided, single submitter. Criteria: ACMG Guidelines, 2015. Collection method: clinical testing. Allele origin: germline. Observed: 140 variant alleles.

Illumina Laboratory Services, Illumina
Classification: Benign for Usher syndrome type 1. Last evaluated: 2018-01-13. Review status: criteria provided, single submitter. Criteria: ICSL Variant Classification Criteria 13 December 2019. Collection method: clinical testing. Allele origin: germline.
Comment: This variant was observed in the ICSL laboratory as part of a predisposition screen in an ostensibly healthy population. It had not been previously curated by ICSL or reported in the Human Gene Mutation Database (HGMD: prior to June 1st, 2018), and was therefore a candidate for classification through an automated scoring system. Utilizing variant allele frequency, disease prevalence and penetrance estimates, and inheritance mode, an automated score was calculated to assess if this variant is too frequent to cause the disease. Based on the score and internal cut-off values, a variant classified as benign is not then subjected to further curation. The score for this variant resulted in a classification of benign for this disease.

Eurofins Ntd Llc (ga)
Classification: Benign. Last evaluated: 2017-05-17. Review status: criteria provided, single submitter. Criteria: EGL Classification Definitions 2015. Collection method: clinical testing. Allele origin: germline. Observed: 1 variant allele, 1 heterozygote.

GeneDx
Classification: Benign. Last evaluated: 2015-03-03. Review status: criteria provided, single submitter. Criteria: GeneDx Variant Classification Process June 2021. Collection method: clinical testing. Allele origin: germline. Affected: yes.

Laboratory for Molecular Medicine, Mass General Brigham Personalized Medicine
Classification: Benign. Last evaluated: 2012-02-02. Review status: criteria provided, single submitter. Criteria: LMM Criteria. Collection method: clinical testing. Allele origin: germline. Observed: 1,418 variant alleles.
Comment: Inferred frequency = 153/302 (LMM data)

Breakthrough Genomics
Classification: Benign. Review status: criteria provided, single submitter. Criteria: ACMG Guidelines, 2015. Collection method: not provided. Allele origin: germline. Inheritance: Autosomal recessive inheritance. Affected: yes.

PreventionGenetics, part of Exact Sciences
Classification: Benign. Review status: criteria provided, single submitter. Criteria: ACMG Guidelines, 2015. Collection method: clinical testing. Allele origin: germline.

Natera, Inc.
Classification: Benign for Usher syndrome type 1F. Last evaluated: 2020-09-16. Review status: no assertion criteria provided. Collection method: clinical testing. Allele origin: germline. Not counted in ClinVar's aggregate classification.

Diagnostic Laboratory, Department of Genetics, University Medical Center Groningen
Classification: Benign. Review status: no assertion criteria provided. Collection method: clinical testing. Allele origin: germline. Affected: yes. Study: VKGL Data-share Consensus. Not counted in ClinVar's aggregate classification.

Joint Genome Diagnostic Labs from Nijmegen and Maastricht, Radboudumc and MUMC+
Classification: Benign. Review status: no assertion criteria provided. Collection method: clinical testing. Allele origin: germline. Affected: yes. Study: VKGL Data-share Consensus. Not counted in ClinVar's aggregate classification.